The following is an entry in ClinVar:

ClinVar aggregate classification (germline): Conflicting classifications of pathogenicity. Review status: criteria provided, conflicting classifications (1 of 4 stars). 3 submissions from 3 submitters: Uncertain significance (2); Benign (1). Last evaluated 2025-10-28.

Conditions:
Hereditary cancer-predisposing syndrome. Also called: Hereditary Cancer Syndrome; Hereditary neoplastic syndrome; Neoplastic Syndromes, Hereditary; Tumor predisposition. Identifiers: Orphanet 140162, MedGen C0027672, MeSH D009386, MONDO:0015356.
Fanconi anemia complementation group O. Also called: RAD51C-Related Fanconi Anemia. Identifiers: Orphanet 84, MedGen C3150653, MONDO:0013248, OMIM 613390.

Submissions (3):

Ambry Genetics
Classification: Benign for Hereditary cancer-predisposing syndrome. Last evaluated: 2025-10-28. Review status: criteria provided, single submitter. Criteria: Ambry Variant Classification Scheme 2023. Collection method: clinical testing. Allele origin: germline.

Labcorp Genetics (formerly Invitae), Labcorp
Classification: Uncertain significance for Fanconi anemia complementation group O. Last evaluated: 2025-07-31. Review status: criteria provided, single submitter. Criteria: Invitae Variant Classification Sherloc (09022015). Collection method: clinical testing. Allele origin: germline.
Comment: This sequence change replaces proline, which is neutral and non-polar, with serine, which is neutral and polar, at codon 227 of the RAD51C protein (p.Pro227Ser). This variant is not present in population databases (gnomAD no frequency). This variant has not been reported in the literature in individuals affected with RAD51C-related conditions. ClinVar contains an entry for this variant (Variation ID: 921349). Invitae Evidence Modeling of protein sequence and biophysical properties (such as structural, functional, and spatial information, amino acid conservation, physicochemical variation, residue mobility, and thermodynamic stability) indicates that this missense variant is not expected to disrupt RAD51C protein function with a negative predictive value of 80%. In summary, the available evidence is currently insufficient to determine the role of this variant in disease. Therefore, it has been classified as a Variant of Uncertain Significance.

Color Diagnostics, LLC DBA Color Health
Classification: Uncertain significance for Hereditary cancer-predisposing syndrome. Last evaluated: 2023-12-05. Review status: criteria provided, single submitter. Criteria: ACMG Guidelines, 2015. Collection method: clinical testing. Allele origin: germline.
Comment: This missense variant replaces proline with serine at codon 227 of the RAD51C protein. Computational prediction suggests that this variant may not impact protein structure and function (internally defined REVEL score threshold <= 0.5, PMID: 27666373). To our knowledge, functional studies have not been reported for this variant. This variant has not been reported in individuals affected with RAD51C-related disorders in the literature. This variant has not been identified in the general population by the Genome Aggregation Database (gnomAD). The available evidence is insufficient to determine the role of this variant in disease conclusively. Therefore, this variant is classified as a Variant of Uncertain Significance.

NM_058216.3(RAD51C):c.679C>T (p.Pro227Ser)

Genes: RAD51C (RAD51 paralog C; plus strand), LOC129390903 (MPRA-validated peak2919 silencer; plus strand). Cytogenetic location: 17q22.
Variant type: single nucleotide variant.
Coding change: c.679C>T on transcript NM_058216.3 (MANE Select); coding-DNA position 679, C replaced by T.
Protein change: p.Pro227Ser; replaces proline 227 with serine.
Molecular consequence: missense variant. On other transcripts: non-coding transcript variant (1).
Genome position (GRCh38, 1-based): chr17:58,703,303, C>T. VCF-style: chr17-58703303-C-T. GRCh37 (hg19) VCF-style: chr17-56780664-C-T.
Other names: c.679C>T (NM_058216.1); short protein forms P227S.
Identifiers: ClinVar variation 921349 (VCV000921349.13), dbSNP rs958242201, ClinGen allele CA292054776.